The following is an entry in ClinVar:

ClinVar aggregate classification (germline): Benign (1 of 4 stars; one submission).

Conditions:
DICER1-related tumor predisposition. Also called: DICER1-related pleuropulmonary blastoma cancer predisposition syndrome; DICER1 syndrome. Identifiers: Orphanet 284343, MedGen C3839822, MONDO:0100216.

Submission:

Myriad Genetics, Inc.
Classification: Benign for DICER1-related tumor predisposition. Last evaluated: 2026-04-16. Review status: criteria provided, single submitter. Criteria: Myriad Autosomal Dominant, Autosomal Recessive and X-Linked Classification Criteria (2023). Collection method: clinical testing. Allele origin: unknown.
Comment: This variant is considered benign. This variant is a silent/synonymous amino acid change and it is not expected to impact splicing.

NM_177438.3(DICER1):c.2673T>C (p.Asp891=)

Gene: DICER1 (dicer 1, ribonuclease III; minus strand). Cytogenetic location: 14q32.13.
Variant type: single nucleotide variant.
Coding change: c.2673T>C on transcript NM_177438.3 (MANE Select); coding-DNA position 2673, T replaced by C.
Protein change: p.Asp891=; no amino-acid change (aspartic acid 891 retained).
Molecular consequence: synonymous variant. On other transcripts: non-coding transcript variant (6).
Genome position (GRCh38, 1-based): chr14:95,107,739, A>G on the plus strand (T>C on the coding strand, the complement: DICER1 is on the minus strand). VCF-style: chr14-95107739-A-G. GRCh37 (hg19) VCF-style: chr14-95574076-A-G.
Other names: c.2673T>C, p.Asp891= (NM_001195573.1, NM_001271282.3, NM_001291628.2 and 12 more transcripts); c.2391T>C, p.Asp797= (NM_001395686.1); c.2268T>C, p.Asp756= (NM_001395687.1, NM_001395688.1, NM_001395689.1 and 2 more transcripts); c.2106T>C, p.Asp702= (NM_001395691.1); c.990T>C, p.Asp330= (NM_001395697.1).
Identifiers: ClinVar variation 4875818 (VCV004875818.1).